The following is an entry in ClinVar:

ClinVar aggregate classification (germline): Uncertain significance. Review status: criteria provided, multiple submitters, no conflicts (2 of 4 stars). 2 submissions from 2 submitters: Uncertain significance (2). Last evaluated 2024-04-16.

Conditions:
Hereditary breast ovarian cancer syndrome. Also called: BRCA1- and BRCA2-Associated Hereditary Breast and Ovarian Cancer; Hereditary breast and ovarian cancer syndrome (HBOC); Hereditary breast and ovarian cancer syndrome; Breast and ovarian cancer; Hereditary breast and ovarian cancer; Hereditary breast and/or ovarian cancer syndrome. Identifiers: Orphanet 145, MedGen C0677776, MeSH D061325, MONDO:0003582. Disease mechanism: loss of function.
Hereditary cancer-predisposing syndrome. Also called: Hereditary Cancer Syndrome; Hereditary neoplastic syndrome; Neoplastic Syndromes, Hereditary; Tumor predisposition. Identifiers: Orphanet 140162, MedGen C0027672, MeSH D009386, MONDO:0015356.

Submissions (3):

Ambry Genetics
Classification: Uncertain significance for Hereditary cancer-predisposing syndrome. Last evaluated: 2024-04-16. Review status: criteria provided, single submitter. Criteria: Ambry Variant Classification Scheme 2023. Collection method: clinical testing. Allele origin: germline.
Comment: The p.D1757E variant (also known as c.5271C>A), located in coding exon 18 of the BRCA1 gene, results from a C to A substitution at nucleotide position 5271. The aspartic acid at codon 1757 is replaced by glutamic acid, an amino acid with highly similar properties. This amino acid position is not well conserved in available vertebrate species. In addition, the in silico prediction for this alteration is inconclusive. Since supporting evidence is limited at this time, the clinical significance of this alteration remains unclear.

Labcorp Genetics (formerly Invitae), Labcorp
Classification: Uncertain significance for Hereditary breast ovarian cancer syndrome. Last evaluated: 2022-06-14. Review status: criteria provided, single submitter. Criteria: Invitae Variant Classification Sherloc (09022015). Collection method: clinical testing. Allele origin: germline.
Comment: In summary, the available evidence is currently insufficient to determine the role of this variant in disease. Therefore, it has been classified as a Variant of Uncertain Significance. Experimental studies have shown that this missense change does not substantially affect BRCA1 function (PMID: 30209399). Advanced modeling of protein sequence and biophysical properties (such as structural, functional, and spatial information, amino acid conservation, physicochemical variation, residue mobility, and thermodynamic stability) performed at Invitae indicates that this missense variant is not expected to disrupt BRCA1 protein function. ClinVar contains an entry for this variant (Variation ID: 825607). This variant has not been reported in the literature in individuals affected with BRCA1-related conditions. This variant is not present in population databases (gnomAD no frequency). This sequence change replaces aspartic acid, which is acidic and polar, with glutamic acid, which is acidic and polar, at codon 1757 of the BRCA1 protein (p.Asp1757Glu).

Brotman Baty Institute, University of Washington
No classification provided (evidence only). Condition: Breast-ovarian cancer, familial 1. Review status: no classification provided. Collection method: in vitro. Allele origin: not applicable. Functional consequence: functionally_normal. Not counted in ClinVar's aggregate classification.
ClinVar note: "not provided" was previously submitted as the classification for the variant. However, the classification appeared to be based only on an observation of functional data so it was converted to no classification on 2025-07-30.

Literature cited by the submitters: PubMed 30209399 (cited by Labcorp Genetics (formerly Invitae), Labcorp).

NM_007294.4(BRCA1):c.5271C>A (p.Asp1757Glu)

Gene: BRCA1 (BRCA1 DNA repair associated; minus strand). Cytogenetic location: 17q21.31.
Variant type: single nucleotide variant.
Coding change: c.5271C>A on transcript NM_007294.4 (MANE Select); coding-DNA position 5271, C replaced by A.
Protein change: p.Asp1757Glu; replaces aspartic acid 1757 with glutamic acid.
Molecular consequence: missense variant. On other transcripts: non-coding transcript variant (1).
Genome position (GRCh38, 1-based): chr17:43,057,058, G>T on the plus strand (C>A on the coding strand, the complement: BRCA1 is on the minus strand). VCF-style: chr17-43057058-G-T. GRCh37 (hg19) VCF-style: chr17-41209075-G-T.
Other names: c.5058C>A, p.Asp1686Glu (NM_001407571.1, NM_001407899.1, NM_001407900.1 and 12 more transcripts); c.5337C>A, p.Asp1779Glu (NM_001407581.1, NM_001407582.1); c.5334C>A, p.Asp1778Glu (NM_001407583.1, NM_001407585.1, NM_001407587.1 and 1 more transcripts); c.5331C>A, p.Asp1777Glu (NM_001407590.1, NM_001407591.1); c.5271C>A, p.Asp1757Glu (NM_001407593.1, NM_001407594.1, NM_001407596.1 and 7 more transcripts); c.5268C>A, p.Asp1756Glu (NM_001407610.1, NM_001407611.1, NM_001407612.1 and 17 more transcripts); c.5265C>A, p.Asp1755Glu (NM_001407628.1, NM_001407629.1, NM_001407630.1 and 14 more transcripts); c.5214C>A, p.Asp1738Glu (NM_001407648.1); and 72 more; short protein forms D1757E, D653E, D1710E, D1778E, D1628E, D1667E, D1689E, D1690E.
Identifiers: ClinVar variation 825607 (VCV000825607.16), dbSNP rs1597810460, ClinGen allele CA10591012.